The following is an entry in ClinVar:

NM_006521.6(TFE3):c.1696C>A (p.Arg566Ser)

Gene: TFE3 (transcription factor binding to IGHM enhancer 3; minus strand). Cytogenetic location: Xp11.23.
Variant type: single nucleotide variant.
Coding change: c.1696C>A on transcript NM_006521.6 (MANE Select); coding-DNA position 1696, C replaced by A.
Protein change: p.Arg566Ser; replaces arginine 566 with serine.
Molecular consequence: missense variant.
Genome position (GRCh38, 1-based): chrX:49,030,190, G>T on the plus strand (C>A on the coding strand, the complement: TFE3 is on the minus strand). VCF-style: chrX-49030190-G-T. GRCh37 (hg19) VCF-style: chrX-48887701-G-T.
Other names: c.1381C>A, p.Arg461Ser (NM_001282142.2); short protein forms R461S, R566S.
Identifiers: ClinVar variation 3365543 (VCV003365543.1).

ClinVar aggregate classification (germline): Uncertain significance (1 of 4 stars; one submission).

gnomAD v4.1: 1 of 1,205,732 alleles (0.000083%); highest among the groups gnomAD compares: Non-Finnish European, 0.00011%; no homozygotes.

Submission:

GeneDx
Classification: Uncertain significance. Last evaluated: 2023-12-13. Review status: criteria provided, single submitter. Criteria: GeneDx Variant Classification Process June 2021. Collection method: clinical testing. Allele origin: germline. Affected: yes.
Comment: Not observed at significant frequency in large population cohorts (gnomAD); In silico analysis supports that this missense variant has a deleterious effect on protein structure/function; Has not been previously published as pathogenic or benign to our knowledge